The following is an entry in ClinVar:

ClinVar aggregate classification (germline): Pathogenic. Review status: criteria provided, multiple submitters, no conflicts (2 of 4 stars). 3 submissions from 3 submitters: Pathogenic (3). Last evaluated 2024-10-30.

Conditions:
Cardiovascular phenotype. Identifiers: MedGen CN230736.
Long QT syndrome (LQTS). Identifiers: MedGen C0023976, MeSH D008133, MONDO:0002442. Disease mechanism: loss of function. Inheritance: Various modes of inheritance.

Submissions (3):

Labcorp Genetics (formerly Invitae), Labcorp
Classification: Pathogenic for Long QT syndrome. Last evaluated: 2024-10-30. Review status: criteria provided, single submitter. Criteria: Invitae Variant Classification Sherloc (09022015). Collection method: clinical testing. Allele origin: germline.
Comment: This sequence change creates a premature translational stop signal (p.Arg1032Glyfs*25) in the KCNH2 gene. It is expected to result in an absent or disrupted protein product. Loss-of-function variants in KCNH2 are known to be pathogenic (PMID: 10973849, 19862833). This variant is not present in population databases (gnomAD no frequency). This premature translational stop signal has been observed in individuals with long QT syndrome (PMID: 10973849, 24530480). ClinVar contains an entry for this variant (Variation ID: 219924). For these reasons, this variant has been classified as Pathogenic.

GeneDx
Classification: Pathogenic. Last evaluated: 2019-04-12. Review status: criteria provided, single submitter. Criteria: GeneDx Variant Classification Process June 2021. Collection method: clinical testing. Allele origin: germline. Affected: yes.
Comment: Frameshift variant predicted to result in protein truncation [or nonsense mediated decay] in a gene for which loss-of-function is a known mechanism of disease; Not observed in large population cohorts (Lek et al., 2016); This variant is associated with the following publications: (PMID: 19716085, 24530480, 10973849)

Ambry Genetics
Classification: Pathogenic for Cardiovascular phenotype. Last evaluated: 2019-03-05. Review status: criteria provided, single submitter. Criteria: Ambry Variant Classification Scheme 2023. Collection method: clinical testing. Allele origin: germline.
Comment: The c.3094delC pathogenic mutation, located in coding exon 13 of the KCNH2 gene, results from a deletion of one nucleotide at nucleotide position 3094, causing a translational frameshift with a predicted alternate stop codon (p.R1032Gfs*25). This alteration (also referred to as G1031fs+24X and G1031fs/24) has been previously reported in association with long QT syndrome, and has been shown to result in nonsense-mediated mRNA decay (Splawski I et al. Circulation. 2000;102:1178-85; Gong Q et al. Gene. 2014;539:190-7). In addition to the clinical data presented in the literature, this alteration is expected to result in loss of function by premature protein truncation or nonsense-mediated mRNA decay. As such, this alteration is interpreted as a disease-causing mutation.

Literature cited by the submitters: PubMed 10973849 (cited by Labcorp Genetics (formerly Invitae), Labcorp and Ambry Genetics); PubMed 19862833 (cited by Labcorp Genetics (formerly Invitae), Labcorp); PubMed 24530480 (cited by Labcorp Genetics (formerly Invitae), Labcorp and Ambry Genetics).

NM_000238.4(KCNH2):c.3094del (p.Arg1032fs)

Gene: KCNH2 (potassium voltage-gated channel subfamily H member 2; minus strand). Cytogenetic location: 7q36.1.
Variant type: Deletion.
Coding change: c.3094del on transcript NM_000238.4 (MANE Select); coding-DNA position 3094, one base deleted (C; older notation c.3094delC).
Protein change: p.Arg1032fs; shifts the reading frame from arginine 1032.
Molecular consequence: frameshift variant.
Genome position (GRCh38, 1-based): chr7:150,947,386, G deleted on the plus strand (C on the coding strand, the reverse complement: KCNH2 is on the minus strand). VCF-style (leftmost placement, unchanged base first): chr7-150947385-CG-C. GRCh37 (hg19) VCF-style: chr7-150644473-CG-C.
Other names: c.2074del, p.Arg692fs (NM_172057.3); c.3094delC (NM_000238.3); c.3094del (NM_000238.2); short protein forms R1032fs, R692fs.
Identifiers: ClinVar variation 219924 (VCV000219924.16), dbSNP rs864622309, ClinGen allele CA348971.
Genomic context (GRCh38, chr7:150,947,385, plus strand): 5'-CACCTGTTGAGCTGGCGCTGGAGGGCATCCAGCCTGCTCTCCACGTCGCCCCGGGGCCGC[CG>C]ACCCGGGCTGGAGAGGGGGATGTTGAGGAGGCTGGGGGTGGGGGCGGGGCATCGAGGGAG-3'